The following is an entry in ClinVar:

NM_003500.4(ACOX2):c.551C>G (p.Thr184Arg)

Gene: ACOX2 (acyl-CoA oxidase 2; minus strand). Cytogenetic location: 3p14.3.
Variant type: single nucleotide variant.
Coding change: c.551C>G on transcript NM_003500.4 (MANE Select); coding-DNA position 551, C replaced by G.
Protein change: p.Thr184Arg; replaces threonine 184 with arginine.
Molecular consequence: missense variant.
Genome position (GRCh38, 1-based): chr3:58,533,477, G>C on the plus strand (C>G on the coding strand, the complement: ACOX2 is on the minus strand). VCF-style: chr3-58533477-G-C. GRCh37 (hg19) VCF-style: chr3-58519204-G-C.
Other names: short protein forms T184R.
Identifiers: ClinVar variation 2509066 (VCV002509066.4), dbSNP rs369403671, ClinGen allele CA2472367.

ClinVar aggregate classification (germline): Uncertain significance. Review status: criteria provided, single submitter (1 of 4 stars). 2 submissions from 2 submitters: Uncertain significance (1). 1 of the submissions does not count toward it. Last evaluated 2025-08-29.

Conditions:
ACOX2-related disorder. Also called: ACOX2-related condition.

Allele frequency attached by ClinVar (database versions not stated): ESP Exome Variant Server 0.00008.

Submissions (2):

Ambry Genetics
Classification: Uncertain significance. Last evaluated: 2025-08-29. Review status: criteria provided, single submitter. Criteria: Ambry Variant Classification Scheme 2023. Collection method: clinical testing. Allele origin: germline.

PreventionGenetics, part of Exact Sciences
Classification: Uncertain significance for ACOX2-related condition. Last evaluated: 2024-07-16. Review status: no assertion criteria provided. Collection method: clinical testing. Allele origin: germline. Not counted in ClinVar's aggregate classification.
Comment: The ACOX2 c.551C>G variant is predicted to result in the amino acid substitution p.Thr184Arg. To our knowledge, this variant has not been reported in the literature. This variant is reported in 0.011% of alleles in individuals of European (Non-Finnish) descent in gnomAD. At this time, the clinical significance of this variant is uncertain due to the absence of conclusive functional and genetic evidence.